The following is an entry in ClinVar:

NM_000528.4(MAN2B1):c.1066C>G (p.Pro356Ala)

Gene: MAN2B1 (mannosidase alpha class 2B member 1; minus strand). Cytogenetic location: 19p13.13.
Variant type: single nucleotide variant.
Coding change: c.1066C>G on transcript NM_000528.4 (MANE Select); coding-DNA position 1066, C replaced by G.
Protein change: p.Pro356Ala; replaces proline 356 with alanine.
Molecular consequence: missense variant.
Genome position (GRCh38, 1-based): chr19:12,658,471, G>C on the plus strand (C>G on the coding strand, the complement: MAN2B1 is on the minus strand). VCF-style: chr19-12658471-G-C. GRCh37 (hg19) VCF-style: chr19-12769285-G-C.
Other names: c.1063C>G, p.Pro355Ala (NM_001173498.2); c.1066C>G (NM_000528.3); short protein forms P355A, P356A.
Identifiers: ClinVar variation 1516039 (VCV001516039.9), dbSNP rs2145262130, ClinGen allele CA404248745.

ClinVar aggregate classification (germline): Uncertain significance. Review status: criteria provided, single submitter (1 of 4 stars). 2 submissions from 2 submitters: Uncertain significance (1). 1 of the submissions does not count toward it. Last evaluated 2025-02-17.

Conditions:
Deficiency of alpha-mannosidase (MANSA). Also called: Alpha-Mannosidosis; LYSOSOMAL ALPHA-D-MANNOSIDASE DEFICIENCY; Mannosidosis, alpha-, types I and II. Identifiers: Orphanet 61, MedGen C0024748, MONDO:0009561, OMIM 248500.

Submissions (2):

Labcorp Genetics (formerly Invitae), Labcorp
Classification: Uncertain significance for Deficiency of alpha-mannosidase. Last evaluated: 2025-02-17. Review status: criteria provided, single submitter. Criteria: Invitae Variant Classification Sherloc (09022015). Collection method: clinical testing. Allele origin: germline.
Comment: This sequence change replaces proline, which is neutral and non-polar, with alanine, which is neutral and non-polar, at codon 356 of the MAN2B1 protein (p.Pro356Ala). This variant is not present in population databases (gnomAD no frequency). This variant has not been reported in the literature in individuals affected with MAN2B1-related conditions. ClinVar contains an entry for this variant (Variation ID: 1516039). Invitae Evidence Modeling of protein sequence and biophysical properties (such as structural, functional, and spatial information, amino acid conservation, physicochemical variation, residue mobility, and thermodynamic stability) has been performed for this missense variant. However, the output from this modeling did not meet the statistical confidence thresholds required to predict the impact of this variant on MAN2B1 protein function. Algorithms developed to predict the effect of sequence changes on RNA splicing suggest that this variant may create or strengthen a splice site. This variant disrupts the p.Pro356 amino acid residue in MAN2B1. Other variant(s) that disrupt this residue have been determined to be pathogenic (PMID: 9758606, 15035660). This suggests that this residue is clinically significant, and that variants that disrupt this residue are likely to be disease-causing. In summary, the available evidence is currently insufficient to determine the role of this variant in disease. Therefore, it has been classified as a Variant of Uncertain Significance.

Natera, Inc.
Classification: Uncertain significance for Alpha-mannosidosis. Last evaluated: 2025-01-17. Review status: no assertion criteria provided. Collection method: clinical testing. Allele origin: germline. Not counted in ClinVar's aggregate classification.

Literature cited by the submitters: PubMed 9758606 (cited by Labcorp Genetics (formerly Invitae), Labcorp); PubMed 15035660 (cited by Labcorp Genetics (formerly Invitae), Labcorp).